The following is an entry in ClinVar:

NM_025114.4(CEP290):c.1711+8C>T

Gene: CEP290 (centrosomal protein 290; minus strand). Cytogenetic location: 12q21.32.
Variant type: single nucleotide variant.
Coding change: c.1711+8C>T on transcript NM_025114.4 (MANE Select); 8 bases into the intron after coding-DNA position 1711, C replaced by T.
Molecular consequence: intron variant.
Genome position (GRCh38, 1-based): chr12:88,118,475, G>A on the plus strand (C>T on the coding strand, the complement: CEP290 is on the minus strand). VCF-style: chr12-88118475-G-A. GRCh37 (hg19) VCF-style: chr12-88512252-G-A.
Identifiers: ClinVar variation 680348 (VCV000680348.13), dbSNP rs765158159, ClinGen allele CA6712489.

ClinVar aggregate classification (germline): Likely benign. Review status: criteria provided, multiple submitters, no conflicts (2 of 4 stars). 3 submissions from 3 submitters: Likely benign (2). 1 of the submissions does not count toward it. Last evaluated 2023-12-27.

Conditions:
Joubert syndrome. Also called: CEREBELLOPARENCHYMAL DISORDER IV; JOUBERT-BOLTSHAUSER SYNDROME; Familial aplasia of the vermis. Identifiers: Orphanet 475, MedGen C5979921, MONDO:0018772.
Meckel-Gruber syndrome. Also called: Dysencephalia splachnocystica; DYSENCEPHALIA SPLANCHNOCYSTICA; GRUBER SYNDROME. Identifiers: Orphanet 564, MedGen C0265215, MONDO:0018921.
Nephronophthisis. Also called: Juvenile Nephronophthisis. Identifiers: Orphanet 655, MedGen C0687120, MONDO:0019005, HP:0000090.
CEP290-related disorder. Also called: CEP290-related condition; CEP290-related disorders. Identifiers: MedGen CN239314.

Allele frequency attached by ClinVar (database versions not stated): gnomAD 0.00001; TOPMed 0.00001; gnomAD exomes 0.00002 and 0.00004; ExAC 0.00004.
gnomAD v4.1: 57 of 1,545,758 alleles (0.0037%); highest among the groups gnomAD compares: Non-Finnish European, 0.0049%; no homozygotes.

Submissions (3):

Labcorp Genetics (formerly Invitae), Labcorp
Classification: Likely benign for Joubert syndrome; Meckel-Gruber syndrome; Nephronophthisis. Last evaluated: 2023-12-27. Review status: criteria provided, single submitter. Criteria: Invitae Variant Classification Sherloc (09022015). Collection method: clinical testing. Allele origin: germline.

GeneDx
Classification: Likely benign. Last evaluated: 2018-03-14. Review status: criteria provided, single submitter. Criteria: GeneDx Variant Classification (06012015). Collection method: clinical testing. Allele origin: germline. Affected: yes.
Comment: This variant is considered likely benign or benign based on one or more of the following criteria: it is a conservative change, it occurs at a poorly conserved position in the protein, it is predicted to be benign by multiple in silico algorithms, and/or has population frequency not consistent with disease.

PreventionGenetics, part of Exact Sciences
Classification: Likely benign for CEP290-related condition. Last evaluated: 2022-10-18. Review status: no assertion criteria provided. Collection method: clinical testing. Allele origin: germline. Not counted in ClinVar's aggregate classification.
Comment: This variant is classified as likely benign based on ACMG/AMP sequence variant interpretation guidelines (Richards et al. 2015 PMID: 25741868, with internal and published modifications).